The following is an entry in ClinVar:

NM_173653.4(SLC9A9):c.533+19T>G

Gene: SLC9A9 (solute carrier family 9 member A9; minus strand). Cytogenetic location: 3q24.
Variant type: single nucleotide variant.
Coding change: c.533+19T>G on transcript NM_173653.4 (MANE Select); 19 bases into the intron after coding-DNA position 533, T replaced by G.
Molecular consequence: intron variant.
Genome position (GRCh38, 1-based): chr3:143,794,982, A>C on the plus strand (T>G on the coding strand, the complement: SLC9A9 is on the minus strand). VCF-style: chr3-143794982-A-C. GRCh37 (hg19) VCF-style: chr3-143513824-A-C.
Identifiers: ClinVar variation 2637708 (VCV002637708.1), dbSNP rs2008335439, ClinGen allele CA2695199293.
Genomic context (GRCh38, chr3:143,794,982, plus strand): 5'-AATCCTGGAAGTGTTAGATCCCTCACACAGATCACAGACCCCACAGCCACCTGCAACTTG[A>C]GCTCCGAATGTCACTTACCCTATGACGATGCAGGAGATGGCAGTTCCCAAGAAGGCATAC-3'

ClinVar aggregate classification (germline): Likely benign (1 of 4 stars; one submission).

Submission:

Women's Health and Genetics/Laboratory Corporation of America, LabCorp
Classification: Likely benign. Last evaluated: 2023-10-12. Review status: criteria provided, single submitter. Criteria: LabCorp Variant Classification Summary - May 2015. Collection method: clinical testing. Allele origin: germline.
Comment: Variant summary: SLC9A9 c.533+19T>G alters a non-conserved nucleotide located at a position not widely known to affect splicing. Consensus agreement among computation tools predict no significant impact on normal splicing. However, these predictions have yet to be confirmed by functional studies. The variant was absent in 251346 control chromosomes. The available data on variant occurrences in the general population are insufficient to allow any conclusion about variant significance. To our knowledge, no occurrence of c.533+19T>G in individuals affected with Autism, Susceptibility To, 16 and no experimental evidence demonstrating its impact on protein function have been reported. No submitters have cited clinical-significance assessments for this variant to ClinVar after 2014. Based on the evidence outlined above, the variant was classified as likely benign.